The following is an entry in ClinVar:

ClinVar aggregate classification (germline): Uncertain significance (1 of 4 stars; one submission).

Conditions:
Shprintzen-Goldberg syndrome (SGS). Also called: SHPRINTZEN-GOLDBERG CRANIOSYNOSTOSIS SYNDROME; CRANIOSYNOSTOSIS WITH ARACHNODACTYLY AND ABDOMINAL HERNIAS; Marfanoid disorder with craniosynostosis type 1; Marfanoid craniosynostosis syndrome; Shprintzen-Goldberg marfanoid syndrome. Identifiers: Orphanet 2462, MedGen C1321551, MONDO:0008426, OMIM 182212.

Allele frequency attached by ClinVar (database versions not stated): gnomAD exomes below 0.00001.
gnomAD v4.1: 2 of 1,544,970 alleles (0.00013%); highest among the groups gnomAD compares: Non-Finnish European, 0.00017%; no homozygotes.

Submission:

Labcorp Genetics (formerly Invitae), Labcorp
Classification: Uncertain significance for Shprintzen-Goldberg syndrome. Last evaluated: 2022-06-08. Review status: criteria provided, single submitter. Criteria: Invitae Variant Classification Sherloc (09022015). Collection method: clinical testing. Allele origin: germline.
Comment: This sequence change replaces alanine, which is neutral and non-polar, with valine, which is neutral and non-polar, at codon 694 of the SKI protein (p.Ala694Val). In summary, the available evidence is currently insufficient to determine the role of this variant in disease. Therefore, it has been classified as a Variant of Uncertain Significance. Advanced modeling of protein sequence and biophysical properties (such as structural, functional, and spatial information, amino acid conservation, physicochemical variation, residue mobility, and thermodynamic stability) performed at Invitae indicates that this missense variant is expected to disrupt SKI protein function. This variant has not been reported in the literature in individuals affected with SKI-related conditions. This variant is not present in population databases (gnomAD no frequency).

NM_003036.4(SKI):c.2081C>T (p.Ala694Val)

Gene: SKI (SKI proto-oncogene; plus strand). Cytogenetic location: 1p36.32.
Variant type: single nucleotide variant.
Coding change: c.2081C>T on transcript NM_003036.4 (MANE Select); coding-DNA position 2081, C replaced by T.
Protein change: p.Ala694Val; replaces alanine 694 with valine.
Molecular consequence: missense variant.
Genome position (GRCh38, 1-based): chr1:2,306,659, C>T. VCF-style: chr1-2306659-C-T. GRCh37 (hg19) VCF-style: chr1-2238098-C-T.
Other names: short protein forms A694V.
Identifiers: ClinVar variation 2003574 (VCV002003574.4), dbSNP rs2521522691, ClinGen allele CA337959698.
Genomic context (GRCh38, chr1:2,306,659, plus strand): 5'-TGCAGCACGCGGAGGCGGACCGGGAGCAGCTGCGGGCCGACCTGCTGCGGGAGCGCGAGG[C>T]CCGGGAGCACCTGGAGAAGGTGGTGAAGGAGCTGCAGGAACAGCTGTGGCCGCGGGCCCG-3'
Protein context (NP_003027.1, residues 684-704): LRADLLRERE[Ala694Val]REHLEKVVKE